The following is an entry in ClinVar:

NM_003480.4(MFAP5):c.336-13G>A

Gene: MFAP5 (microfibril associated protein 5; minus strand). Cytogenetic location: 12p13.31.
Variant type: single nucleotide variant.
Coding change: c.336-13G>A on transcript NM_003480.4 (MANE Select); 13 bases into the intron before coding-DNA position 336, G replaced by A.
Molecular consequence: intron variant.
Genome position (GRCh38, 1-based): chr12:8,649,587, C>T on the plus strand (G>A on the coding strand, the complement: MFAP5 is on the minus strand). VCF-style: chr12-8649587-C-T. GRCh37 (hg19) VCF-style: chr12-8802183-C-T.
Other names: c.270-13G>A (NM_001297710.2); c.261-13G>A (NM_001297711.2); c.218-1384G>A (NM_001297712.2); c.306-13G>A (NM_001297709.2).
Identifiers: ClinVar variation 2018505 (VCV002018505.4), dbSNP rs2540286197, ClinGen allele CA2580086308.
Genomic context (GRCh38, chr12:8,649,587, plus strand): 5'-ACAAGACGAGAGCAGATCTCCTTGTTGACGATGTACATACGTCGTAAACTGCAGACGTCC[C>T]AGTGTCATAGGCAAGGAAGGAGATGGAAGAAAGCCTTGAGAGGAGAACTCACCTGGGTCT-3'

ClinVar aggregate classification (germline): Uncertain significance (1 of 4 stars; one submission).

Allele frequency attached by ClinVar (database versions not stated): gnomAD exomes 0.00001.

Submission:

Labcorp Genetics (formerly Invitae), Labcorp
Classification: Uncertain significance. Last evaluated: 2022-07-21. Review status: criteria provided, single submitter. Criteria: Invitae Variant Classification Sherloc (09022015). Collection method: clinical testing. Allele origin: germline.
Comment: This sequence change falls in intron 8 of the MFAP5 gene. It does not directly change the encoded amino acid sequence of the MFAP5 protein. This variant is not present in population databases (gnomAD no frequency). This variant has not been reported in the literature in individuals affected with MFAP5-related conditions. Algorithms developed to predict the effect of sequence changes on RNA splicing suggest that this variant may disrupt the consensus splice site. In summary, the available evidence is currently insufficient to determine the role of this variant in disease. Therefore, it has been classified as a Variant of Uncertain Significance.